The following is an entry in ClinVar:

ClinVar aggregate classification (germline): Likely pathogenic (1 of 4 stars; one submission).

Submission:

Labcorp Genetics (formerly Invitae), Labcorp
Classification: Likely pathogenic. Last evaluated: 2018-12-25. Review status: criteria provided, single submitter. Criteria: Invitae Variant Classification Sherloc (09022015). Collection method: clinical testing. Allele origin: germline.
Comment: In summary, the currently available evidence indicates that the variant is pathogenic, but additional data are needed to prove that conclusively. Therefore, this variant has been classified as Likely Pathogenic. This sequence change affects an acceptor splice site in intron 28 of the COL27A1 gene. It is expected to disrupt RNA splicing and likely results in an absent or disrupted protein product. This variant is not present in population databases (ExAC no frequency). This variant has not been reported in the literature in individuals with COL27A1-related conditions. Algorithms developed to predict the effect of sequence changes on RNA splicing suggest that this variant may disrupt the consensus splice site, but this prediction has not been confirmed by published transcriptional studies. Donor and acceptor splice site variants typically lead to a loss of protein function (PMID: 16199547), and loss-of-function variants in COL27A1 are known to be pathogenic (PMID: 24986830, 28276056).

Literature cited by the submitters: PubMed 16199547; PubMed 24986830; PubMed 28276056.

NM_032888.4(COL27A1):c.3196-1G>A

Gene: COL27A1 (collagen type XXVII alpha 1 chain; plus strand). Cytogenetic location: 9q32.
Variant type: single nucleotide variant.
Coding change: c.3196-1G>A on transcript NM_032888.4 (MANE Select); the canonical splice acceptor site of the intron before coding-DNA position 3196, G replaced by A.
Molecular consequence: splice acceptor variant.
Genome position (GRCh38, 1-based): chr9:114,264,354, G>A. VCF-style: chr9-114264354-G-A. GRCh37 (hg19) VCF-style: chr9-117026634-G-A.
Identifiers: ClinVar variation 647036 (VCV000647036.7), dbSNP rs1588816777, ClinGen allele CA374596033.